The following is an entry in ClinVar:

ClinVar aggregate classification (germline): Uncertain significance (1 of 4 stars; one submission).

Conditions:
Welander distal myopathy (WDM). Also called: Welander distal myopathy, Swedish type; Distal myopathy, Swedish type; Gower's muscular dystrophy; MUSCULAR DYSTROPHY, DISTAL, LATE-ONSET, AUTOSOMAL DOMINANT. Identifiers: Orphanet 603, MedGen C0221054, MONDO:0011466, OMIM 604454.

Submission:

Labcorp Genetics (formerly Invitae), Labcorp
Classification: Uncertain significance for Welander distal myopathy. Last evaluated: 2025-05-25. Review status: criteria provided, single submitter. Criteria: Invitae Variant Classification Sherloc (09022015). Collection method: clinical testing. Allele origin: germline.
Comment: This sequence change affects a donor splice site in intron 3 of the TIA1 gene. It is expected to disrupt RNA splicing. Variants that disrupt the donor or acceptor splice site typically lead to a loss of protein function (PMID: 16199547), however the current clinical and genetic evidence is not sufficient to establish whether loss-of-function variants in TIA1 cause disease. This variant is not present in population databases (gnomAD no frequency). This variant has not been reported in the literature in individuals affected with TIA1-related conditions. Algorithms developed to predict the effect of sequence changes on RNA splicing suggest that this variant may disrupt the consensus splice site. In summary, the available evidence is currently insufficient to determine the role of this variant in disease. Therefore, it has been classified as a Variant of Uncertain Significance.

Literature cited by the submitters: PubMed 16199547.

NM_022173.4(TIA1):c.222+1G>A

Gene: TIA1 (TIA1 cytotoxic granule associated RNA binding protein; minus strand). Cytogenetic location: 2p13.3.
Variant type: single nucleotide variant.
Coding change: c.222+1G>A on transcript NM_022173.4 (MANE Select); the canonical splice donor site of the intron after coding-DNA position 222, G replaced by A.
Molecular consequence: splice donor variant. On other transcripts: intron variant (2).
Genome position (GRCh38, 1-based): chr2:70,230,755, C>T on the plus strand (G>A on the coding strand, the complement: TIA1 is on the minus strand). VCF-style: chr2-70230755-C-T. GRCh37 (hg19) VCF-style: chr2-70457887-C-T.
Other names: c.111+1G>A (NM_001351513.1, NM_001351511.1); c.117+1G>A (NM_001351512.1); c.27+1G>A (NM_001351514.2, NM_001351523.2); c.-199+6G>A (NM_001351524.2); c.-422+6G>A (NM_001351517.2); c.222+1G>A (NM_001351510.2, NM_022037.4, NM_001351508.2 and 5 more transcripts); c.-232+1G>A (NM_001351525.2); c.-168+1G>A (NM_001351515.2); and 1 more.
Identifiers: ClinVar variation 4720168 (VCV004720168.1).